The following is an entry in ClinVar:

NM_133433.4(NIPBL):c.1228A>G (p.Ile410Val)

Gene: NIPBL (NIPBL cohesin loading factor; plus strand). Cytogenetic location: 5p13.2.
Variant type: single nucleotide variant.
Coding change: c.1228A>G on transcript NM_133433.4 (MANE Select); coding-DNA position 1228, A replaced by G.
Protein change: p.Ile410Val; replaces isoleucine 410 with valine.
Molecular consequence: missense variant.
Genome position (GRCh38, 1-based): chr5:36,976,135, A>G. VCF-style: chr5-36976135-A-G. GRCh37 (hg19) VCF-style: chr5-36976237-A-G.
Other names: c.1228A>G, p.Ile410Val (NM_015384.5); short protein forms I410V.
Identifiers: ClinVar variation 904960 (VCV000904960.7), dbSNP rs141010980, ClinGen allele CA3235995.

ClinVar aggregate classification (germline): Uncertain significance. Review status: criteria provided, multiple submitters, no conflicts (2 of 4 stars). 2 submissions from 2 submitters: Uncertain significance (2). Last evaluated 2025-01-22.

Conditions:
Cornelia de Lange syndrome 1 (CDLS1). Also called: Brachmann de Lange syndrome; NIPBL-Related Cornelia de Lange Syndrome; TYPUS DEGENERATIVUS AMSTELODAMENSIS. Identifiers: Orphanet 199, MedGen C4551851, MONDO:0007387, OMIM 122470.

Allele frequency attached by ClinVar (database versions not stated): gnomAD 0.00001 and 0.00002; gnomAD exomes 0.00001 and 0.00002; ExAC 0.00002; TOPMed 0.00003; ESP Exome Variant Server 0.00008.
gnomAD v4.1: 34 of 1,613,760 alleles (0.0021%); highest among the groups gnomAD compares: Non-Finnish European, 0.0027%; no homozygotes.

Submissions (2):

Labcorp Genetics (formerly Invitae), Labcorp
Classification: Uncertain significance for Cornelia de Lange syndrome 1. Last evaluated: 2025-01-22. Review status: criteria provided, single submitter. Criteria: Invitae Variant Classification Sherloc (09022015). Collection method: clinical testing. Allele origin: germline.
Comment: This sequence change replaces isoleucine, which is neutral and non-polar, with valine, which is neutral and non-polar, at codon 410 of the NIPBL protein (p.Ile410Val). This variant is present in population databases (rs141010980, gnomAD 0.003%). This variant has not been reported in the literature in individuals affected with NIPBL-related conditions. ClinVar contains an entry for this variant (Variation ID: 904960). Invitae Evidence Modeling of protein sequence and biophysical properties (such as structural, functional, and spatial information, amino acid conservation, physicochemical variation, residue mobility, and thermodynamic stability) indicates that this missense variant is not expected to disrupt NIPBL protein function with a negative predictive value of 95%. In summary, the available evidence is currently insufficient to determine the role of this variant in disease. Therefore, it has been classified as a Variant of Uncertain Significance.

Illumina Laboratory Services, Illumina
Classification: Uncertain significance for Cornelia de Lange syndrome 1. Last evaluated: 2018-01-13. Review status: criteria provided, single submitter. Criteria: ICSL Variant Classification Criteria 13 December 2019. Collection method: clinical testing. Allele origin: germline.